The following is an entry in ClinVar:

NM_002693.3(POLG):c.1671G>C (p.Glu557Asp)

Gene: POLG (DNA polymerase gamma, catalytic subunit; minus strand). Cytogenetic location: 15q26.1.
Variant type: single nucleotide variant.
Coding change: c.1671G>C on transcript NM_002693.3 (MANE Select); coding-DNA position 1671, G replaced by C.
Protein change: p.Glu557Asp; replaces glutamic acid 557 with aspartic acid.
Molecular consequence: missense variant.
Genome position (GRCh38, 1-based): chr15:89,326,653, C>G on the plus strand (G>C on the coding strand, the complement: POLG is on the minus strand). VCF-style: chr15-89326653-C-G. GRCh37 (hg19) VCF-style: chr15-89869884-C-G.
Other names: c.1671G>C, p.Glu557Asp (NM_001126131.2); short protein forms E557D.
Identifiers: ClinVar variation 1403399 (VCV001403399.6), dbSNP rs780365511, ClinGen allele CA7724734.

ClinVar aggregate classification (germline): Uncertain significance (1 of 4 stars; one submission).

Conditions:
Progressive sclerosing poliodystrophy (MTDPS4A). Also called: Mitochondrial DNA depletion syndrome 4A (Alpers type); ALPERS PROGRESSIVE INFANTILE POLIODYSTROPHY; NEURONAL DEGENERATION OF CHILDHOOD WITH LIVER DISEASE, PROGRESSIVE; Mitochondrial DNA Depletion Syndrome 4A; Alpers-Huttenlocher Syndrome (AHS); Alpers Syndrome. Identifiers: Orphanet 726, MedGen C0205710, MONDO:0008758, OMIM 203700.

Allele frequency attached by ClinVar (database versions not stated): gnomAD exomes 0.00001; ExAC 0.00002.
gnomAD v4.1: 3 of 1,614,106 alleles (0.00019%); highest among the groups gnomAD compares: Admixed American, 0.0017%; no homozygotes.

Submission:

Labcorp Genetics (formerly Invitae), Labcorp
Classification: Uncertain significance for Progressive sclerosing poliodystrophy. Last evaluated: 2025-09-15. Review status: criteria provided, single submitter. Criteria: Invitae Variant Classification Sherloc (09022015). Collection method: clinical testing. Allele origin: germline.
Comment: This sequence change replaces glutamic acid, which is acidic and polar, with aspartic acid, which is acidic and polar, at codon 557 of the POLG protein (p.Glu557Asp). This variant is present in population databases (rs780365511, gnomAD 0.002%). This variant has not been reported in the literature in individuals affected with POLG-related conditions. ClinVar contains an entry for this variant (Variation ID: 1403399). Invitae Evidence Modeling of protein sequence and biophysical properties (such as structural, functional, and spatial information, amino acid conservation, physicochemical variation, residue mobility, and thermodynamic stability) indicates that this missense variant is not expected to disrupt POLG protein function with a negative predictive value of 95%. In summary, the available evidence is currently insufficient to determine the role of this variant in disease. Therefore, it has been classified as a Variant of Uncertain Significance.